The following is an entry in ClinVar:

ClinVar aggregate classification (germline): Uncertain significance (1 of 4 stars; one submission).

Allele frequency attached by ClinVar (database versions not stated): gnomAD exomes below 0.00001; TOPMed 0.00001.
gnomAD v4.1: 1 of 1,598,212 alleles (0.000063%); highest among the groups gnomAD compares: African/African-American, 0.0013%; no homozygotes.

Submission:

Labcorp Genetics (formerly Invitae), Labcorp
Classification: Uncertain significance. Last evaluated: 2022-11-08. Review status: criteria provided, single submitter. Criteria: Invitae Variant Classification Sherloc (09022015). Collection method: clinical testing. Allele origin: germline.
Comment: This sequence change replaces serine, which is neutral and polar, with alanine, which is neutral and non-polar, at codon 255 of the SZT2 protein (p.Ser255Ala). In summary, the available evidence is currently insufficient to determine the role of this variant in disease. Therefore, it has been classified as a Variant of Uncertain Significance. Advanced modeling of protein sequence and biophysical properties (such as structural, functional, and spatial information, amino acid conservation, physicochemical variation, residue mobility, and thermodynamic stability) performed at Invitae indicates that this missense variant is not expected to disrupt SZT2 protein function. ClinVar contains an entry for this variant (Variation ID: 1489161). This variant has not been reported in the literature in individuals affected with SZT2-related conditions. This variant is not present in population databases (gnomAD no frequency).

NM_001365999.1(SZT2):c.763T>G (p.Ser255Ala)

Gene: SZT2 (SZT2 subunit of KICSTOR complex; plus strand). Cytogenetic location: 1p34.2.
Variant type: single nucleotide variant.
Coding change: c.763T>G on transcript NM_001365999.1 (MANE Select); coding-DNA position 763, T replaced by G.
Protein change: p.Ser255Ala; replaces serine 255 with alanine.
Molecular consequence: missense variant.
Genome position (GRCh38, 1-based): chr1:43,416,092, T>G. VCF-style: chr1-43416092-T-G. GRCh37 (hg19) VCF-style: chr1-43881763-T-G.
Other names: c.763T>G, p.Ser255Ala (NM_015284.4); short protein forms S255A.
Identifiers: ClinVar variation 1489161 (VCV001489161.8), dbSNP rs1046368553, ClinGen allele CA21626333.
Genomic context (GRCh38, chr1:43,416,092, plus strand): 5'-CTTGGGCTGGTCAGTATGATTCGTCAGGGCATCTTGGCACTGCAGTTACTACCCTCGAAC[T>G]CTAGTGCAGGTCAGTAGAAGGAATATTGGTGGGACTGGGGAAGCAGGGATACAGGAAGGG-3'
Protein context (NP_001352928.1, residues 245-265): ILALQLLPSN[Ser255Ala]SAGIIVITDG